The following is an entry in ClinVar:

ClinVar aggregate classification (germline): Likely pathogenic (1 of 4 stars; one submission).

Submission:

Dasa
Classification: Likely pathogenic. Last evaluated: 2026-04-21. Review status: criteria provided, single submitter. Criteria: DASA Assertion Criteria. Collection method: clinical testing. Allele origin: germline.
Comment: NM_000406.3(GNRHR):c.276_287delinsTT (p.Ile93Tyrfs*25) is a frameshift variant in GNRHR predicted to alter the reading frame and introduce a premature termination codon and is predicted to result in an absent or altered protein product. Loss of function is an established disease mechanism for GNRHR-associated disorders. Also, this variant is absent from population databases. Based on the currently available evidence, this variant is classified as likely pathogenic.

NM_000406.3(GNRHR):c.276_287delinsTT (p.Ile93fs)

Gene: GNRHR (gonadotropin releasing hormone receptor; minus strand). Cytogenetic location: 4q13.2.
Variant type: Indel.
Coding change: c.276_287delinsTT on transcript NM_000406.3 (MANE Select); coding-DNA positions 276 to 287, GATTGTCATGCC replaced by TT.
Protein change: p.Ile93fs; shifts the reading frame from isoleucine 93.
Molecular consequence: frameshift variant.
Genome position (GRCh38, 1-based): chr4:67,754,049-67,754,060, GGCATGACAATC replaced by AA on the plus strand (GATTGTCATGCC replaced by TT on the coding strand, the reverse complement: GNRHR is on the minus strand). VCF-style: chr4-67754049-GGCATGACAATC-AA. GRCh37 (hg19) VCF-style: chr4-68619767-GGCATGACAATC-AA.
Other names: c.276_287delinsTT, p.Ile93fs (NM_001012763.2); short protein forms I93fs.
Identifiers: ClinVar variation 4880795 (VCV004880795.2).